The following is an entry in ClinVar:

ClinVar aggregate classification (germline): Benign. Review status: criteria provided, multiple submitters, no conflicts (2 of 4 stars). 4 submissions from 4 submitters: Benign (4). Last evaluated 2026-09-01.

Allele frequency attached by ClinVar (database versions not stated): TOPMed 0.00661; gnomAD 0.00742 and 0.00764; ESP Exome Variant Server 0.00761; gnomAD exomes 0.00783 and 0.01161; ExAC 0.00809; 1000 Genomes Project 30x 0.00344; 1000 Genomes Project 0.00359.
gnomAD v4.1: 18,023 of 1,613,872 alleles (1.1%); highest among the groups gnomAD compares: Non-Finnish European, 1.4%; 140 homozygotes.

Submissions (4):

CeGaT Center for Human Genetics Tuebingen
Classification: Benign. Last evaluated: 2026-09-01. Review status: criteria provided, single submitter. Criteria: CeGaT Center For Human Genetics Tuebingen Variant Classification Criteria Version 2. Collection method: clinical testing. Allele origin: germline. Affected: yes. Observed: 19 variant alleles.
Comment: TUBB2A: BP4, BP7, BS1, BS2

Labcorp Genetics (formerly Invitae), Labcorp
Classification: Benign. Last evaluated: 2026-02-02. Review status: criteria provided, single submitter. Criteria: Invitae Variant Classification Sherloc (09022015). Collection method: clinical testing. Allele origin: germline.

Blueprint Genetics
Classification: Benign. Last evaluated: 2024-11-25. Review status: criteria provided, single submitter. Criteria: ACMG Guidelines, 2015. Collection method: clinical testing. Allele origin: germline.

GeneDx
Classification: Benign. Last evaluated: 2016-08-09. Review status: criteria provided, single submitter. Criteria: GeneDx Variant Classification (06012015). Collection method: clinical testing. Allele origin: germline. Affected: yes.
Comment: This variant is considered likely benign or benign based on one or more of the following criteria: it is a conservative change, it occurs at a poorly conserved position in the protein, it is predicted to be benign by multiple in silico algorithms, and/or has population frequency not consistent with disease.

NM_001069.3(TUBB2A):c.189C>G (p.Ala63=)

Gene: TUBB2A (tubulin beta 2A class IIa; minus strand). Cytogenetic location: 6p25.2.
Variant type: single nucleotide variant.
Coding change: c.189C>G on transcript NM_001069.3 (MANE Select); coding-DNA position 189, C replaced by G.
Protein change: p.Ala63=; no amino-acid change (alanine 63 retained).
Molecular consequence: synonymous variant. On other transcripts: 5 prime UTR variant (1).
Genome position (GRCh38, 1-based): chr6:3,155,713, G>C on the plus strand (C>G on the coding strand, the complement: TUBB2A is on the minus strand). VCF-style: chr6-3155713-G-C. GRCh37 (hg19) VCF-style: chr6-3155947-G-C.
Other names: c.-199C>G (NM_001310315.2).
Identifiers: ClinVar variation 388323 (VCV000388323.42), dbSNP rs41300839, ClinGen allele CA3619061.